The following is an entry in ClinVar:

ClinVar aggregate classification (germline): Uncertain significance (1 of 4 stars; one submission).

Allele frequency attached by ClinVar (database versions not stated): gnomAD 0.00002; TOPMed 0.00002.
gnomAD v4.1: 7 of 1,606,526 alleles (0.00044%); highest among the groups gnomAD compares: African/African-American, 0.008%; no homozygotes.

Submission:

Labcorp Genetics (formerly Invitae), Labcorp
Classification: Uncertain significance. Last evaluated: 2022-04-04. Review status: criteria provided, single submitter. Criteria: Invitae Variant Classification Sherloc (09022015). Collection method: clinical testing. Allele origin: germline.
Comment: This sequence change replaces valine, which is neutral and non-polar, with leucine, which is neutral and non-polar, at codon 2558 of the CDH23 protein (p.Val2558Leu). This variant is not present in population databases (gnomAD no frequency). This variant has not been reported in the literature in individuals affected with CDH23-related conditions. Algorithms developed to predict the effect of missense changes on protein structure and function are either unavailable or do not agree on the potential impact of this missense change (SIFT: "Deleterious"; PolyPhen-2: "Not Available"; Align-GVGD: "Class C0"). In summary, the available evidence is currently insufficient to determine the role of this variant in disease. Therefore, it has been classified as a Variant of Uncertain Significance.

NM_022124.6(CDH23):c.7672G>T (p.Val2558Leu)

Gene: CDH23 (cadherin related 23; plus strand). Cytogenetic location: 10q22.1.
Variant type: single nucleotide variant.
Coding change: c.7672G>T on transcript NM_022124.6 (MANE Select); coding-DNA position 7672, G replaced by T.
Protein change: p.Val2558Leu; replaces valine 2558 with leucine.
Molecular consequence: missense variant.
Genome position (GRCh38, 1-based): chr10:71,803,220, G>T. VCF-style: chr10-71803220-G-T. GRCh37 (hg19) VCF-style: chr10-73562977-G-T.
Other names: c.952G>T, p.Val318Leu (NM_001171933.1, NM_001171934.1); short protein forms V2558L, V318L.
Identifiers: ClinVar variation 1914407 (VCV001914407.2), dbSNP rs894005931, ClinGen allele CA209472655.
Genomic context (GRCh38, chr10:71,803,220, plus strand): 5'-CGTGGGAAGGATGTCTCAACCAGAGCTACTCTCCTGCTCCCACTGCCAGAGGCCTTCCAT[G>T]TGGACATGGACTCGGGCTTGGTGACCACACAGCGGCCACTGCAGTCCTACGAGAAGTTCA-3'
Protein context (NP_071407.4, residues 2548-2568): LEGPGVEAFH[Val2558Leu]DMDSGLVTTQ